The following is an entry in ClinVar:

NM_001164508.2(NEB):c.19340del (p.Lys6447fs)

Gene: NEB (nebulin; minus strand). Cytogenetic location: 2q23.3.
Variant type: Deletion.
Coding change: c.19340del on transcript NM_001164508.2 (MANE Select); coding-DNA position 19340, one base deleted (A; older notation c.19340delA).
Protein change: p.Lys6447fs; shifts the reading frame from lysine 6447.
Molecular consequence: frameshift variant.
Genome position (GRCh38, 1-based): chr2:151,555,019, T deleted on the plus strand (A on the coding strand, the reverse complement: NEB is on the minus strand); the first of 4 consecutive T bases (chr2:151,555,019-151,555,022); deleting any one gives the same sequence. VCF-style (leftmost placement, unchanged base first): chr2-151555018-CT-C. GRCh37 (hg19) VCF-style: chr2-152411532-CT-C.
Other names: c.19340del, p.Lys6447fs (NM_001164507.2, NM_001271208.2); c.19337delA, p.Lys6447Serfs (NM_001271208.1); c.14237del, p.Lys4746fs (NM_004543.5); short protein forms K4746fs, K6447fs.
Identifiers: ClinVar variation 4814742 (VCV004814742.1).

ClinVar aggregate classification (germline): Likely pathogenic (1 of 4 stars; one submission).

Conditions:
Nemaline myopathy 2 (NEM2). Also called: Nemaline myopathy 2, autosomal recessive. Identifiers: MedGen C1850569, MONDO:0009725, OMIM 256030.

Submission:

Natera, Inc.
Classification: Likely pathogenic for Nemaline myopathy type 2. Last evaluated: 2025-06-03. Review status: criteria provided, single submitter. Criteria: Natera Variant Classification Schema (03/2026). Collection method: clinical testing. Allele origin: germline.
Comment: The c.19340del variant in NEB is a frameshift variant predicted to shift the reading frame beginning at codon 6447 and leads to a stop codon 42 codons downstream. This variant is expected to result in nonsense mediated decay, truncation, or a dysfunctional protein product. This variant is rare in the general population with a frequency below the threshold expected for the associated phenotype(s). Given the available evidence, this variant is classified as Likely Pathogenic.